The following is an entry in ClinVar:

ClinVar aggregate classification (germline): Conflicting classifications of pathogenicity. Review status: criteria provided, conflicting classifications (1 of 4 stars). 2 submissions from 2 submitters: Likely pathogenic (1); Uncertain significance (1). Last evaluated 2025-08-26.

Conditions:
Autosomal recessive limb-girdle muscular dystrophy type 2O. Also called: Limb-Girdle Muscular Dystrophy Type 3C; MUSCULAR DYSTROPHY-DYSTROGLYCANOPATHY (LIMB-GIRDLE), TYPE C, 3; MUSCULAR DYSTROPHY-DYSTROGLYCANOPATHY, LIMB-GIRDLE, POMGNT1-RELATED. Identifiers: Orphanet 206564, MedGen C3150417, MONDO:0013161, OMIM 613157.
Muscular dystrophy-dystroglycanopathy (congenital with impaired intellectual development), type B, 3. Also called: MUSCULAR DYSTROPHY, CONGENITAL, POMGNT1-RELATED; Muscular dystrophy-dystroglycanopathy (congenital with intellectual disability), type B3. Identifiers: MedGen C3150412, MONDO:0013155, OMIM 613151.
Myopathy caused by variation in POMGNT1. Identifiers: MedGen CN305639, MONDO:0700068.

gnomAD v4.1: 3 of 1,614,082 alleles (0.00019%); highest among the groups gnomAD compares: East Asian, 0.0022%; no homozygotes.

Submissions (2):

Myriad Genetics, Inc.
Classification: Uncertain significance for Myopathy caused by variation in POMGNT1. Last evaluated: 2025-08-26. Review status: criteria provided, single submitter. Criteria: Myriad Autosomal Dominant, Autosomal Recessive and X-Linked Classification Criteria (2023). Collection method: clinical testing. Allele origin: unknown.
Comment: NM_017739.3(POMGNT1):c.932G>C(R311P) is a missense variant classified as a variant of uncertain significance in the context of POMGNT1-related disorders. R311P has not been observed in cases with relevant disease. Relevant functional assessments of this variant are not available in the literature. R311P has been observed in referenced population frequency databases. In summary, there is insufficient evidence to classify NM_017739.3(POMGNT1):c.932G>C(R311P) as pathogenic or benign. Please note: this variant was assessed in the context of healthy population screening.

Labcorp Genetics (formerly Invitae), Labcorp
Classification: Likely pathogenic for Autosomal recessive limb-girdle muscular dystrophy type 2O; Muscular dystrophy-dystroglycanopathy (congenital with impaired intellectual development), type B, 3. Last evaluated: 2023-07-29. Review status: criteria provided, single submitter. Criteria: Invitae Variant Classification Sherloc (09022015). Collection method: clinical testing. Allele origin: germline.
Comment: In summary, the currently available evidence indicates that the variant is pathogenic, but additional data are needed to prove that conclusively. Therefore, this variant has been classified as Likely Pathogenic. This variant disrupts the p.Arg311 amino acid residue in POMGNT1. Other variant(s) that disrupt this residue have been determined to be pathogenic (PMID: 15236414, 17030669, 21361872, 22323514). This suggests that this residue is clinically significant, and that variants that disrupt this residue are likely to be disease-causing. Advanced modeling of protein sequence and biophysical properties (such as structural, functional, and spatial information, amino acid conservation, physicochemical variation, residue mobility, and thermodynamic stability) performed at Invitae indicates that this missense variant is expected to disrupt POMGNT1 protein function. This variant has not been reported in the literature in individuals affected with POMGNT1-related conditions. This variant is present in population databases (rs193919336, gnomAD 0.0009%). This sequence change replaces arginine, which is basic and polar, with proline, which is neutral and non-polar, at codon 311 of the POMGNT1 protein (p.Arg311Pro).

Literature cited by the submitters: PubMed 15236414 (cited by Labcorp Genetics (formerly Invitae), Labcorp); PubMed 17030669 (cited by Labcorp Genetics (formerly Invitae), Labcorp); PubMed 21361872 (cited by Labcorp Genetics (formerly Invitae), Labcorp); PubMed 22323514 (cited by Labcorp Genetics (formerly Invitae), Labcorp).

NM_017739.4(POMGNT1):c.932G>C (p.Arg311Pro)

Genes: POMGNT1 (protein O-linked mannose N-acetylglucosaminyltransferase 1 (beta 1,2-); minus strand), TSPAN1 (tetraspanin 1; plus strand). Cytogenetic location: 1p34.1.
Variant type: single nucleotide variant.
Coding change: c.932G>C on transcript NM_017739.4 (MANE Select); coding-DNA position 932, G replaced by C.
Protein change: p.Arg311Pro; replaces arginine 311 with proline.
Molecular consequence: missense variant.
Genome position (GRCh38, 1-based): chr1:46,193,873, C>G on the plus strand (G>C on the coding strand, the complement: POMGNT1 is on the minus strand). VCF-style: chr1-46193873-C-G. GRCh37 (hg19) VCF-style: chr1-46659545-C-G.
Other names: c.932G>C, p.Arg311Pro (NM_001243766.2, NM_001410783.1); c.866G>C, p.Arg289Pro (NM_001290129.3); c.503G>C, p.Arg168Pro (NM_001290130.2); short protein forms R289P, R311P, R168P.
Identifiers: ClinVar variation 2927335 (VCV002927335.4), dbSNP rs193919336, ClinGen allele CA833568.